The following is an entry in ClinVar:

ClinVar aggregate classification (germline): Benign/Likely benign. Review status: criteria provided, multiple submitters, no conflicts (2 of 4 stars). 2 submissions from 2 submitters: Benign (1); Likely benign (1). Last evaluated 2024-08-19.

Allele frequency attached by ClinVar (database versions not stated): ESP Exome Variant Server 0.00008; gnomAD 0.00012; gnomAD exomes 0.00019 and 0.00096; 1000 Genomes Project 30x 0.00031; 1000 Genomes Project 0.00040; TOPMed 0.00045; ExAC 0.00092.
gnomAD v4.1: 288 of 1,614,068 alleles (0.018%); highest among the groups gnomAD compares: Admixed American, 0.46%; 1 homozygote.

Submissions (2):

Blueprint Genetics
Classification: Likely benign. Last evaluated: 2024-08-19. Review status: criteria provided, single submitter. Criteria: ACMG Guidelines, 2015. Collection method: clinical testing. Allele origin: germline.

GeneDx
Classification: Benign. Last evaluated: 2015-09-07. Review status: criteria provided, single submitter. Criteria: GeneDx Variant Classification (06012015). Collection method: clinical testing. Allele origin: germline. Affected: yes.
Comment: This variant is considered likely benign or benign based on one or more of the following criteria: it is a conservative change, it occurs at a poorly conserved position in the protein, it is predicted to be benign by multiple in silico algorithms, and/or has population frequency not consistent with disease.

NM_002474.3(MYH11):c.*13A>G

Genes: MYH11 (myosin heavy chain 11; minus strand), NDE1 (nudE neurodevelopment protein 1; plus strand). Cytogenetic location: 16p13.11.
Variant type: single nucleotide variant.
Coding change: c.*13A>G on transcript NM_002474.3 (MANE Select); 13 bases downstream of the stop codon, A replaced by G.
Molecular consequence: 3 prime UTR variant. On other transcripts: intron variant (2).
Genome position (GRCh38, 1-based): chr16:15,703,978, T>C on the plus strand (A>G on the coding strand, the complement: MYH11 is on the minus strand). VCF-style: chr16-15703978-T-C. GRCh37 (hg19) VCF-style: chr16-15797835-T-C.
Other names: c.*154A>G (NM_001040113.2, NM_022844.3); c.*13A>G (NM_001040114.2); c.947+7118T>C (NM_001143979.2, NM_017668.3).
Identifiers: ClinVar variation 378210 (VCV000378210.2), dbSNP rs191562149, ClinGen allele CA7921037.